The following is an entry in ClinVar:

ClinVar aggregate classification (germline): Uncertain significance (1 of 4 stars; one submission).

Allele frequency attached by ClinVar (database versions not stated): ExAC 0.00001; gnomAD 0.00001; gnomAD exomes 0.00002; TOPMed 0.00002.
gnomAD v4.1: 25 of 1,614,086 alleles (0.0015%); highest among the groups gnomAD compares: East Asian, 0.0022%; no homozygotes.

Submission:

Labcorp Genetics (formerly Invitae), Labcorp
Classification: Uncertain significance. Last evaluated: 2025-12-13. Review status: criteria provided, single submitter. Criteria: Invitae Variant Classification Sherloc (09022015). Collection method: clinical testing. Allele origin: germline.
Comment: This sequence change replaces arginine, which is basic and polar, with tryptophan, which is neutral and slightly polar, at codon 97 of the ANKZF1 protein (p.Arg97Trp). This variant is present in population databases (rs764832677, gnomAD 0.003%). This variant has not been reported in the literature in individuals affected with ANKZF1-related conditions. ClinVar contains an entry for this variant (Variation ID: 1911369). An algorithm developed to predict the effect of missense changes on protein structure and function (PolyPhen-2) suggests that this variant is likely to be disruptive. Algorithms developed to predict the effect of sequence changes on RNA splicing suggest that this variant may disrupt the consensus splice site. In summary, the available evidence is currently insufficient to determine the role of this variant in disease. Therefore, it has been classified as a Variant of Uncertain Significance.

NM_018089.3(ANKZF1):c.289C>T (p.Arg97Trp)

Gene: ANKZF1 (ankyrin repeat and zinc finger peptidyl tRNA hydrolase 1; plus strand). Cytogenetic location: 2q35.
Variant type: single nucleotide variant.
Coding change: c.289C>T on transcript NM_018089.3 (MANE Select); coding-DNA position 289, C replaced by T.
Protein change: p.Arg97Trp; replaces arginine 97 with tryptophan.
Molecular consequence: missense variant. On other transcripts: intron variant (1).
Genome position (GRCh38, 1-based): chr2:219,232,287, C>T. VCF-style: chr2-219232287-C-T. GRCh37 (hg19) VCF-style: chr2-220097009-C-T.
Other names: c.289C>T, p.Arg97Trp (NM_001042410.2); c.-266-203C>T (NM_001282792.2); short protein forms R97W.
Identifiers: ClinVar variation 1911369 (VCV001911369.5), dbSNP rs764832677, ClinGen allele CA2120699.
Genomic context (GRCh38, chr2:219,232,287, plus strand): 5'-CCACCTTTATCTCACTCTTTGTCTTTGTACTAGAGGGAACATTATAAGCTTGACTGGCAT[C>T]GGTTTAACCTAAAGCAACGTCTCAAGGACAAGCCTCTCCTGTCTGCCCTGGACTTTGAAA-3'
Protein context (NP_060559.2, residues 87-107): QREHYKLDWH[Arg97Trp]FNLKQRLKDK